The following is an entry in ClinVar:

NM_000217.3(KCNA1):c.1325G>T (p.Ser442Ile)

Gene: KCNA1 (potassium voltage-gated channel subfamily A member 1; plus strand). Cytogenetic location: 12p13.32.
Variant type: single nucleotide variant.
Coding change: c.1325G>T on transcript NM_000217.3 (MANE Select); coding-DNA position 1325, G replaced by T.
Protein change: p.Ser442Ile; replaces serine 442 with isoleucine.
Molecular consequence: missense variant.
Genome position (GRCh38, 1-based): chr12:4,912,703, G>T. VCF-style: chr12-4912703-G-T. GRCh37 (hg19) VCF-style: chr12-5021869-G-T.
Other names: short protein forms S442I.
Identifiers: ClinVar variation 3702764 (VCV003702764.2).

ClinVar aggregate classification (germline): Uncertain significance (1 of 4 stars; one submission).

Conditions:
Episodic ataxia type 1 (EA1). Also called: Episodic ataxia/myokymia syndrome; ATAXIA, EPISODIC, WITH MYOKYMIA; MYOKYMIA WITH PERIODIC ATAXIA; PAROXYSMAL ATAXIA WITH NEUROMYOTONIA, HEREDITARY. Identifiers: Orphanet 37612, Orphanet 972, MedGen C1719788, MONDO:0008047, OMIM 160120.

Submission:

Labcorp Genetics (formerly Invitae), Labcorp
Classification: Uncertain significance for Episodic ataxia type 1. Last evaluated: 2024-08-31. Review status: criteria provided, single submitter. Criteria: Invitae Variant Classification Sherloc (09022015). Collection method: clinical testing. Allele origin: germline.
Comment: This sequence change replaces serine, which is neutral and polar, with isoleucine, which is neutral and non-polar, at codon 442 of the KCNA1 protein (p.Ser442Ile). This variant is not present in population databases (gnomAD no frequency). This variant has not been reported in the literature in individuals affected with KCNA1-related conditions. Invitae Evidence Modeling of protein sequence and biophysical properties (such as structural, functional, and spatial information, amino acid conservation, physicochemical variation, residue mobility, and thermodynamic stability) indicates that this missense variant is not expected to disrupt KCNA1 protein function with a negative predictive value of 95%. In summary, the available evidence is currently insufficient to determine the role of this variant in disease. Therefore, it has been classified as a Variant of Uncertain Significance.